The following is an entry in ClinVar:

NM_003482.4(KMT2D):c.11735_11770del (p.Leu3912_Gln3923del)

Gene: KMT2D (lysine methyltransferase 2D; minus strand). Cytogenetic location: 12q13.12.
Variant type: Deletion.
Coding change: c.11735_11770del on transcript NM_003482.4 (MANE Select); coding-DNA positions 11735 to 11770, 36 bases deleted.
Protein change: p.Leu3912_Gln3923del.
Molecular consequence: inframe deletion.
Genome position (GRCh38, 1-based): chr12:49,032,935-49,032,970, 36 bases deleted; deleting any 36 consecutive bases within chr12:49,032,935-49,032,980 gives the same sequence; the c. name uses the placement nearest the transcript's 3' end. GRCh37 (hg19): chr12:49,426,728-49,426,763.
Identifiers: ClinVar variation 2038688 (VCV002038688.4), dbSNP rs1483199411, ClinGen allele CA605233618.

ClinVar aggregate classification (germline): Uncertain significance (1 of 4 stars; one submission).

Conditions:
Kabuki syndrome. Also called: Kabuki make-up syndrome; NIIKAWA-KUROKI SYNDROME. Identifiers: Orphanet 2322, MedGen C0796004, MONDO:0016512.

Submission:

Labcorp Genetics (formerly Invitae), Labcorp
Classification: Uncertain significance for Kabuki syndrome. Last evaluated: 2022-02-20. Review status: criteria provided, single submitter. Criteria: Invitae Variant Classification Sherloc (09022015). Collection method: clinical testing. Allele origin: germline.
Comment: In summary, the available evidence is currently insufficient to determine the role of this variant in disease. Therefore, it has been classified as a Variant of Uncertain Significance. Experimental studies and prediction algorithms are not available or were not evaluated, and the functional significance of this variant is currently unknown. This variant has not been reported in the literature in individuals affected with KMT2D-related conditions. The frequency data for this variant in the population databases is considered unreliable, as metrics indicate poor data quality at this position in the gnomAD database. This variant, c.11735_11770del, results in the deletion of 12 amino acid(s) of the KMT2D protein (p.Leu3912_Gln3923del), but otherwise preserves the integrity of the reading frame.